The following is an entry in ClinVar:

ClinVar aggregate classification (germline): Likely benign. Review status: criteria provided, single submitter (1 of 4 stars). 2 submissions from 2 submitters: Likely benign (1). 1 of the submissions does not count toward it. Last evaluated 2024-01-27.

Conditions:
PCNT-related disorder. Also called: PCNT-related condition.

gnomAD v4.1: 3 of 1,614,132 alleles (0.00019%); highest among the groups gnomAD compares: African/African-American, 0.004%; no homozygotes.

Submissions (2):

Labcorp Genetics (formerly Invitae), Labcorp
Classification: Likely benign. Last evaluated: 2024-01-27. Review status: criteria provided, single submitter. Criteria: Invitae Variant Classification Sherloc (09022015). Collection method: clinical testing. Allele origin: germline.

PreventionGenetics, part of Exact Sciences
Classification: Likely benign for PCNT-related condition. Last evaluated: 2021-10-22. Review status: no assertion criteria provided. Collection method: clinical testing. Allele origin: germline. Not counted in ClinVar's aggregate classification.
Comment: This variant is classified as likely benign based on ACMG/AMP sequence variant interpretation guidelines (Richards et al. 2015 PMID: 25741868, with internal and published modifications).

NM_006031.6(PCNT):c.144G>C (p.Ala48=)

Genes: PCNT (pericentrin; plus strand), LOC128092249 (uncharacterized LOC128092249; plus strand). Cytogenetic location: 21q22.3.
Variant type: single nucleotide variant.
Coding change: c.144G>C on transcript NM_006031.6 (MANE Select); coding-DNA position 144, G replaced by C.
Protein change: p.Ala48=; no amino-acid change (alanine 48 retained).
Molecular consequence: synonymous variant. On other transcripts: missense variant (1), 5 prime UTR variant (1).
Genome position (GRCh38, 1-based): chr21:46,326,466, G>C. VCF-style: chr21-46326466-G-C. GRCh37 (hg19) VCF-style: chr21-47746380-G-C.
Other names: c.179G>C, p.Arg60Pro (NM_001414902.1); c.-211G>C (NM_001315529.2); c.144G>C (NM_006031.5); short protein forms R60P.
Identifiers: ClinVar variation 2799656 (VCV002799656.4), dbSNP rs376166347, ClinGen allele CA10078152.